The following is an entry in ClinVar:

ClinVar aggregate classification (germline): Benign/Likely benign. Review status: criteria provided, multiple submitters, no conflicts (2 of 4 stars). 4 submissions from 4 submitters: Benign (1); Likely benign (3). Last evaluated 2026-03-27.

Conditions:
Hereditary nonpolyposis colorectal neoplasms. Identifiers: MedGen C0009405, MeSH D003123.
Hereditary cancer-predisposing syndrome. Also called: Tumor predisposition; Hereditary neoplastic syndrome; Neoplastic Syndromes, Hereditary; Hereditary Cancer Syndrome. Identifiers: Orphanet 140162, MedGen C0027672, MeSH D009386, MONDO:0015356.
Lynch syndrome 5 (LYNCH5). Also called: Hereditary non-polyposis colorectal cancer, type 5; Colorectal cancer, hereditary nonpolyposis, type 5. Identifiers: Orphanet 144, MedGen C1833477, MONDO:0013710, OMIM 614350. Disease mechanism: loss of function.

Allele frequency attached by ClinVar (database versions not stated): TOPMed below 0.00001.

Submissions (4):

Ambry Genetics
Classification: Likely benign for Hereditary cancer-predisposing syndrome. Last evaluated: 2026-03-27. Review status: criteria provided, single submitter. Criteria: Ambry Variant Classification Scheme 2023. Collection method: clinical testing. Allele origin: germline.

Myriad Genetics, Inc.
Classification: Benign for Lynch syndrome 5. Last evaluated: 2025-01-06. Review status: criteria provided, single submitter. Criteria: Myriad Autosomal Dominant, Autosomal Recessive and X-Linked Classification Criteria (2023). Collection method: clinical testing. Allele origin: unknown.
Comment: This variant is considered benign. This variant is a silent/synonymous amino acid change and it is not expected to impact splicing.

Labcorp Genetics (formerly Invitae), Labcorp
Classification: Likely benign for Hereditary nonpolyposis colorectal neoplasms. Last evaluated: 2021-07-23. Review status: criteria provided, single submitter. Criteria: Invitae Variant Classification Sherloc (09022015). Collection method: clinical testing. Allele origin: germline.

Color Diagnostics, LLC DBA Color Health
Classification: Likely benign for Hereditary cancer-predisposing syndrome. Last evaluated: 2017-09-22. Review status: criteria provided, single submitter. Criteria: ACMG Guidelines, 2015. Collection method: clinical testing. Allele origin: germline.

NM_000179.3(MSH6):c.3243G>A (p.Leu1081=)

Gene: MSH6 (mutS homolog 6; plus strand). Cytogenetic location: 2p16.3.
Variant type: single nucleotide variant.
Coding change: c.3243G>A on transcript NM_000179.3 (MANE Select); coding-DNA position 3243, G replaced by A.
Protein change: p.Leu1081=; no amino-acid change (leucine 1081 retained).
Molecular consequence: synonymous variant.
Genome position (GRCh38, 1-based): chr2:47,803,490, G>A. VCF-style: chr2-47803490-G-A. GRCh37 (hg19) VCF-style: chr2-48030629-G-A.
Other names: c.2853G>A, p.Leu951= (NM_001281492.2); c.2337G>A, p.Leu779= (NM_001281493.2, NM_001281494.2).
Identifiers: ClinVar variation 491932 (VCV000491932.13), dbSNP rs1553331352, ClinGen allele CA426121835.
Genomic context (GRCh38, chr2:47,803,490, plus strand): 5'-GTGCCTGGCTAACTATAGTCGAGGGGGTGATGGTCCTATGTGTCGCCCAGTAATTCTGTT[G>A]CCGGAAGATACCCCCCCCTTCTTAGAGCTTAAAGGATCACGCCATCCTTGCATTACGAAG-3'
Protein context (NP_000170.1, residues 1071-1091): DGPMCRPVIL[Leu1081=]PEDTPPFLEL